The following is an entry in ClinVar:

ClinVar aggregate classification (germline): Uncertain significance (1 of 4 stars; one submission).

gnomAD v4.1: 2 of 1,613,810 alleles (0.00012%); highest among the groups gnomAD compares: African/African-American, 0.0013%; no homozygotes.

Submission:

GeneDx
Classification: Uncertain significance. Last evaluated: 2019-08-08. Review status: criteria provided, single submitter. Criteria: GeneDx Variant Classification Process June 2021. Collection method: clinical testing. Allele origin: germline. Affected: yes.
Comment: Has not been previously published as pathogenic or benign to our knowledge; Not observed in large population cohorts (Lek et al., 2016); In silico analysis, which includes protein predictors and evolutionary conservation, supports a deleterious effect

NM_144573.4(NEXN):c.1802T>G (p.Phe601Cys)

Gene: NEXN (nexilin F-actin binding protein; plus strand). Cytogenetic location: 1p31.1.
Variant type: single nucleotide variant.
Coding change: c.1802T>G on transcript NM_144573.4 (MANE Select); coding-DNA position 1802, T replaced by G.
Protein change: p.Phe601Cys; replaces phenylalanine 601 with cysteine.
Molecular consequence: missense variant.
Genome position (GRCh38, 1-based): chr1:77,942,603, T>G. VCF-style: chr1-77942603-T-G. GRCh37 (hg19) VCF-style: chr1-78408288-T-G.
Other names: c.1610T>G, p.Phe537Cys (NM_001172309.2); short protein forms F537C, F601C.
Identifiers: ClinVar variation 1307797 (VCV001307797.2), dbSNP rs2102181052, ClinGen allele CA340882704.